The following is an entry in ClinVar:

ClinVar aggregate classification (germline): Uncertain significance. Review status: criteria provided, multiple submitters, no conflicts (2 of 4 stars). 2 submissions from 2 submitters: Uncertain significance (2). Last evaluated 2022-06-19.

Conditions:
Alpha-methylacyl-CoA racemase deficiency (AMACRD). Also called: AMACR deficiency. Identifiers: Orphanet 79095, MedGen C3280428, MONDO:0013681, OMIM 614307. Disease mechanism: loss of function.

Allele frequency attached by ClinVar (database versions not stated): gnomAD 0.00001; gnomAD exomes 0.00001.
gnomAD v4.1: 4 of 1,613,952 alleles (0.00025%); highest among the groups gnomAD compares: Middle Eastern, 0.016%; no homozygotes.

Submissions (2):

Labcorp Genetics (formerly Invitae), Labcorp
Classification: Uncertain significance for Alpha-methylacyl-CoA racemase deficiency. Last evaluated: 2022-06-19. Review status: criteria provided, single submitter. Criteria: Invitae Variant Classification Sherloc (09022015). Collection method: clinical testing. Allele origin: germline.
Comment: This sequence change replaces arginine, which is basic and polar, with cysteine, which is neutral and slightly polar, at codon 361 of the AMACR protein (p.Arg361Cys). This variant is not present in population databases (gnomAD no frequency). This variant has not been reported in the literature in individuals affected with AMACR-related conditions. Algorithms developed to predict the effect of missense changes on protein structure and function are either unavailable or do not agree on the potential impact of this missense change (SIFT: "Deleterious"; PolyPhen-2: "Benign"; Align-GVGD: "Class C0"). In summary, the available evidence is currently insufficient to determine the role of this variant in disease. Therefore, it has been classified as a Variant of Uncertain Significance.

Blueprint Genetics
Classification: Uncertain significance. Last evaluated: 2021-12-13. Review status: criteria provided, single submitter. Criteria: ACMG Guidelines, 2015. Collection method: clinical testing. Allele origin: germline.

NM_014324.6(AMACR):c.1081C>T (p.Arg361Cys)

Genes: AMACR (alpha-methylacyl-CoA racemase; minus strand), C1QTNF3-AMACR (C1QTNF3-AMACR readthrough (NMD candidate); minus strand). Cytogenetic location: 5p13.2.
Variant type: single nucleotide variant.
Coding change: c.1081C>T on transcript NM_014324.6 (MANE Select); coding-DNA position 1081, C replaced by T.
Protein change: p.Arg361Cys; replaces arginine 361 with cysteine.
Molecular consequence: missense variant. On other transcripts: non-coding transcript variant (1), 3 prime UTR variant (1).
Genome position (GRCh38, 1-based): chr5:33,989,161, G>A on the plus strand (C>T on the coding strand, the complement: AMACR is on the minus strand). VCF-style: chr5-33989161-G-A. GRCh37 (hg19) VCF-style: chr5-33989266-G-A.
Other names: c.1081C>T, p.Arg361Cys (NM_001167595.2); c.*323C>T (NM_203382.3); short protein forms R361C.
Identifiers: ClinVar variation 2421549 (VCV002421549.4), dbSNP rs1561379750, ClinGen allele CA359398678.